The following is an entry in ClinVar:

NM_000152.5(GAA):c.1327-18A>G

Gene: GAA (alpha glucosidase; plus strand). Cytogenetic location: 17q25.3.
Variant type: single nucleotide variant.
Coding change: c.1327-18A>G on transcript NM_000152.5 (MANE Select); 18 bases into the intron before coding-DNA position 1327, A replaced by G.
Molecular consequence: intron variant.
Genome position (GRCh38, 1-based): chr17:80,109,927, A>G. VCF-style: chr17-80109927-A-G. GRCh37 (hg19) VCF-style: chr17-78083726-A-G.
Other names: c.1327-18A>G (LRG_673t1, NM_001079803.3, NM_001079804.3).
Identifiers: ClinVar variation 92462 (VCV000092462.26), dbSNP rs2278619, ClinGen allele CA145752.

ClinVar aggregate classification (germline): Benign/Likely benign. Review status: criteria provided, multiple submitters, no conflicts (2 of 4 stars). 14 submissions from 14 submitters: Benign (9); Likely benign (1). 4 of the submissions do not count toward it. Last evaluated 2026-07-01.

Conditions:
Glycogen storage disease, type II (IOPD). Also called: POMPE DISEASE, INFANTILE-ONSET; GLYCOGEN STORAGE DISEASE II, INFANTILE-ONSET; ACID ALPHA-GLUCOSIDASE DEFICIENCY, INFANTILE-ONSET; GAA DEFICIENCY, INFANTILE-ONSET; ACID MALTASE DEFICIENCY, INFANTILE-ONSET; Glucosidase acid-1,4-alpha deficiency. Identifiers: Orphanet 365, MedGen C0017921, MONDO:0009290, OMIM 232300.

Allele frequency attached by ClinVar (database versions not stated): TOPMed 0.70121; 1000 Genomes Project 30x 0.71112; 1000 Genomes Project 0.71166; gnomAD 0.71811 and 0.72044; gnomAD exomes 0.72026 and 0.74173; ESP Exome Variant Server 0.73020; ExAC 0.73124.

Submissions (14):

Genomenon, Inc
Classification: Benign for Glycogen storage disease, type II. Last evaluated: 2026-07-01. Review status: criteria provided, single submitter. Criteria: Genomenon Sequence Variant Interpretation Standards - Updated. Collection method: curation. Allele origin: germline. Affected: no.
Comment: GAA c.1327-18A>G is an intronic variant located in the acceptor splice region of intron 8. This variant is present at high allele frequency in population databases. We classify GAA c.1327-18A>G as a benign variant.

Labcorp Genetics (formerly Invitae), Labcorp
Classification: Benign for Glycogen storage disease, type II. Last evaluated: 2026-02-04. Review status: criteria provided, single submitter. Criteria: Invitae Variant Classification Sherloc (09022015). Collection method: clinical testing. Allele origin: germline.

Blueprint Genetics
Classification: Benign. Last evaluated: 2024-11-28. Review status: criteria provided, single submitter. Criteria: ACMG Guidelines, 2015. Collection method: clinical testing. Allele origin: germline.

Genome-Nilou Lab
Classification: Benign for Glycogen storage disease, type II. Last evaluated: 2021-06-10. Review status: criteria provided, single submitter. Criteria: ACMG Guidelines, 2015. Collection method: clinical testing. Allele origin: germline. Affected: no.

Mendelics
Classification: Benign for Glycogen storage disease, type II. Last evaluated: 2019-05-28. Review status: criteria provided, single submitter. Criteria: Mendelics Assertion Criteria 2017. Collection method: clinical testing. Allele origin: unknown.

Eurofins Ntd Llc (ga)
Classification: Benign. Last evaluated: 2018-09-04. Review status: criteria provided, single submitter. Criteria: EGL ClinVar v180209 classification definitions. Collection method: clinical testing. Allele origin: germline. Observed: 114 variant alleles, 53 heterozygotes, 61 homozygotes.

Genomic Medicine Center of Excellence, King Faisal Specialist Hospital and Research Centre
Classification: Likely benign. Last evaluated: 2016-09-28. Review status: criteria provided, single submitter. Criteria: ACMG Guidelines, 2015. Collection method: research. Allele origin: germline. Affected: yes.

GeneDx
Classification: Benign. Last evaluated: 2015-03-03. Review status: criteria provided, single submitter. Criteria: GeneDx Variant Classification Process June 2021. Collection method: clinical testing. Allele origin: germline. Affected: yes.

Breakthrough Genomics
Classification: Benign. Review status: criteria provided, single submitter. Criteria: ACMG Guidelines, 2015. Collection method: not provided. Allele origin: germline. Inheritance: Autosomal recessive inheritance. Affected: yes.

PreventionGenetics, part of Exact Sciences
Classification: Benign. Review status: criteria provided, single submitter. Criteria: ACMG Guidelines, 2015. Collection method: clinical testing. Allele origin: germline.

Mayo Clinic Laboratories, Mayo Clinic
Classification: Benign. Last evaluated: 2015-10-19. Review status: no assertion criteria provided. Collection method: clinical testing. Allele origin: unknown. Not counted in ClinVar's aggregate classification.

Diagnostic Laboratory, Department of Genetics, University Medical Center Groningen
Classification: Benign for Glycogen storage disease, type II. Review status: no assertion criteria provided. Collection method: clinical testing. Allele origin: germline. Affected: yes. Study: VKGL Data-share Consensus. Not counted in ClinVar's aggregate classification.

Genome Diagnostics Laboratory, University Medical Center Utrecht
Classification: Benign. Review status: no assertion criteria provided. Collection method: clinical testing. Allele origin: germline. Affected: yes. Study: VKGL Data-share Consensus. Not counted in ClinVar's aggregate classification.

Joint Genome Diagnostic Labs from Nijmegen and Maastricht, Radboudumc and MUMC+
Classification: Benign. Review status: no assertion criteria provided. Collection method: clinical testing. Allele origin: germline. Affected: yes. Study: VKGL Data-share Consensus. Not counted in ClinVar's aggregate classification.